The following is an entry in ClinVar:

NM_001267550.2(TTN):c.74367del (p.Lys24789fs)

Genes: TTN (titin; minus strand), TTN-AS1 (TTN antisense RNA 1; plus strand). Cytogenetic location: 2q31.2.
Variant type: Deletion.
Coding change: c.74367del on transcript NM_001267550.2 (MANE Select); coding-DNA position 74367, one base deleted (A; older notation c.74367delA).
Protein change: p.Lys24789fs; shifts the reading frame from lysine 24789.
Molecular consequence: frameshift variant.
Genome position (GRCh38, 1-based): chr2:178,571,765, T deleted on the plus strand (A on the coding strand, the reverse complement: TTN is on the minus strand); the first of 3 consecutive T bases (chr2:178,571,765-178,571,767); deleting any one gives the same sequence. VCF-style (leftmost placement, unchanged base first): chr2-178571764-GT-G. GRCh37 (hg19) VCF-style: chr2-179436491-GT-G.
Other names: c.66663del, p.Lys22221fs (NM_133378.4); c.47547del, p.Lys15849fs (NM_133432.3); c.47748del, p.Lys15916fs (NM_133437.4); c.69444del, p.Lys23148fs (NM_001256850.1); c.47172del, p.Lys15724fs (NM_003319.4); short protein forms K22221fs, K23148fs, K24789fs, K15724fs, K15849fs, K15916fs.
Identifiers: ClinVar variation 1495694 (VCV001495694.8), dbSNP rs2154169575, ClinGen allele CA2573134137.

ClinVar aggregate classification (germline): Likely pathogenic (1 of 4 stars; one submission).

Conditions:
Dilated cardiomyopathy 1G (CMD1G). Identifiers: Orphanet 154, MedGen C1858763, MONDO:0011400, OMIM 604145.
Autosomal recessive limb-girdle muscular dystrophy type 2J (LGMDR10). Also called: Limb-girdle muscular dystrophy, type 2J; MUSCULAR DYSTROPHY, LIMB-GIRDLE, AUTOSOMAL RECESSIVE 10. Identifiers: Orphanet 140922, MedGen C1837342, MONDO:0012127, OMIM 608807.

Submission:

Labcorp Genetics (formerly Invitae), Labcorp
Classification: Likely pathogenic for Dilated cardiomyopathy 1G; Autosomal recessive limb-girdle muscular dystrophy type 2J. Last evaluated: 2021-06-16. Review status: criteria provided, single submitter. Criteria: Invitae Variant Classification Sherloc (09022015). Collection method: clinical testing. Allele origin: germline.
Comment: In summary, the currently available evidence indicates that the variant is pathogenic, but additional data are needed to prove that conclusively. Therefore, this variant has been classified as Likely Pathogenic. This variant is located in the A band of TTN (PMID: 25589632). Truncating variants in this region are significantly overrepresented in patients affected with dilated cardiomyopathy (PMID: 25589632). Truncating variants in this region have also been reported in individuals affected with autosomal recessive centronuclear myopathy (PMID: 23975875). This variant has not been reported in the literature in individuals with TTN-related conditions. This variant is not present in population databases (ExAC no frequency). This sequence change creates a premature translational stop signal (p.Lys24789Asnfs*2) in the TTN gene. While this is not anticipated to result in nonsense mediated decay, it is expected to create a truncated TTN protein.

Literature cited by the submitters: PubMed 25589632; PubMed 23975875.